The following is an entry in ClinVar:

ClinVar aggregate classification (germline): Uncertain significance (1 of 4 stars; one submission).

Conditions:
Ehlers-Danlos syndrome, type 4 (EDSVASC). Also called: Ehlers-Danlos syndrome vascular type; Ehlers Danlos syndrome, ecchymotic type; Ehlers Danlos syndrome, arterial type; Ehlers Danlos syndrome, Sack-Barabas type; Ehlers-Danlos Syndrome Type IV. Identifiers: Orphanet 286, MedGen C0268338, MONDO:0017314, OMIM 130050.

Submission:

Labcorp Genetics (formerly Invitae), Labcorp
Classification: Uncertain significance for Ehlers-Danlos syndrome, type 4. Last evaluated: 2025-12-14. Review status: criteria provided, single submitter. Criteria: Invitae Variant Classification Sherloc (09022015). Collection method: clinical testing. Allele origin: germline.
Comment: This sequence change replaces proline, which is neutral and non-polar, with serine, which is neutral and polar, at codon 107 of the COL3A1 protein (p.Pro107Ser). This variant is present in population databases (rs773938798, gnomAD 0.002%). This variant has not been reported in the literature in individuals affected with COL3A1-related conditions. Invitae Evidence Modeling of protein sequence and biophysical properties (such as structural, functional, and spatial information, amino acid conservation, physicochemical variation, residue mobility, and thermodynamic stability) indicates that this missense variant is not expected to disrupt COL3A1 protein function with a negative predictive value of 95%. In summary, the available evidence is currently insufficient to determine the role of this variant in disease. Therefore, it has been classified as a Variant of Uncertain Significance.

NM_000090.4(COL3A1):c.319C>T (p.Pro107Ser)

Gene: COL3A1 (collagen type III alpha 1 chain; plus strand). Cytogenetic location: 2q32.2.
Variant type: single nucleotide variant.
Coding change: c.319C>T on transcript NM_000090.4 (MANE Select); coding-DNA position 319, C replaced by T.
Protein change: p.Pro107Ser; replaces proline 107 with serine.
Molecular consequence: missense variant.
Genome position (GRCh38, 1-based): chr2:188,985,233, C>T. VCF-style: chr2-188985233-C-T. GRCh37 (hg19) VCF-style: chr2-189849959-C-T.
Other names: short protein forms P107S.
Identifiers: ClinVar variation 4699244 (VCV004699244.1).
Genomic context (GRCh38, chr2:188,985,233, plus strand): 5'-ACTTGTTTCTTTTCCATTTATTAGCCTACTCGCCCTCCTAATGGTCAAGGACCTCAAGGC[C>T]CCAAGGGAGATCCAGTAAGTAAACATTCTTCAGTAGAATAAAATTAATACTAATGATAAT-3'
Protein context (NP_000081.2, residues 97-117): RPPNGQGPQG[Pro107Ser]KGDPGPPGIP